The following is an entry in ClinVar:

ClinVar aggregate classification (germline): Benign/Likely benign. Review status: criteria provided, multiple submitters, no conflicts (2 of 4 stars). 12 submissions from 12 submitters: Benign (2); Likely benign (8). 2 of the submissions do not count toward it. Last evaluated 2026-01-19.

Conditions:
Bile duct cancer. Identifiers: MedGen CN296287, MONDO:0003059.
POLD1-related disorder. Also called: POLD1-related condition; POLD1-related disorders.
POLD1-related polyposis and colorectal cancer syndrome (CRCS10). Also called: Colorectal cancer 10; COLORECTAL CANCER, SUSCEPTIBILITY TO, ON CHROMOSOME 19q; Colorectal cancer, susceptibility to, 10. Identifiers: Orphanet 220460, MedGen C2675481, MONDO:0012953, OMIM 612591.
Hereditary cancer-predisposing syndrome. Also called: Tumor predisposition; Hereditary Cancer Syndrome; Neoplastic Syndromes, Hereditary; Hereditary neoplastic syndrome. Identifiers: Orphanet 140162, MedGen C0027672, MeSH D009386, MONDO:0015356.

Allele frequency attached by ClinVar (database versions not stated): TOPMed 0.00006; gnomAD 0.00013; ESP Exome Variant Server 0.00016.
gnomAD v4.1: 245 of 1,564,842 alleles (0.016%); highest among the groups gnomAD compares: Non-Finnish European, 0.02%; 1 homozygote.

Submissions (12):

Labcorp Genetics (formerly Invitae), Labcorp
Classification: Likely benign for POLD1-related polyposis and colorectal cancer syndrome. Last evaluated: 2026-01-19. Review status: criteria provided, single submitter. Criteria: Invitae Variant Classification Sherloc (09022015). Collection method: clinical testing. Allele origin: germline.

ARUP Laboratories, Molecular Genetics and Genomics, ARUP Laboratories
Classification: Likely benign. Last evaluated: 2025-03-18. Review status: criteria provided, single submitter. Criteria: ARUP Molecular Germline Variant Investigation Process 2024. Collection method: clinical testing. Allele origin: germline.

Center for Genomic Medicine, Rigshospitalet, Copenhagen University Hospital
Classification: Likely benign. Last evaluated: 2025-03-04. Review status: criteria provided, single submitter. Criteria: ACMG Guidelines, 2015. Collection method: clinical testing. Allele origin: germline.

Myriad Genetics, Inc.
Classification: Benign for POLD1-related polyposis and colorectal cancer syndrome. Last evaluated: 2025-02-05. Review status: criteria provided, single submitter. Criteria: Myriad Autosomal Dominant, Autosomal Recessive and X-Linked Classification Criteria (2023). Collection method: clinical testing. Allele origin: unknown.
Comment: This variant is considered benign. This variant is a silent/synonymous amino acid change and it is not expected to impact splicing.

CeGaT Center for Human Genetics Tuebingen
Classification: Likely benign. Last evaluated: 2024-12-01. Review status: criteria provided, single submitter. Criteria: CeGaT Center For Human Genetics Tuebingen Variant Classification Criteria Version 2. Collection method: clinical testing. Allele origin: germline. Affected: yes. Observed: 2 variant alleles.
Comment: POLD1: BP4, BP7

Blueprint Genetics
Classification: Likely benign. Last evaluated: 2024-10-25. Review status: criteria provided, single submitter. Criteria: ACMG Guidelines, 2015. Collection method: clinical testing. Allele origin: germline.

Quest Diagnostics Nichols Institute San Juan Capistrano
Classification: Benign. Last evaluated: 2023-07-17. Review status: criteria provided, single submitter. Criteria: Quest Diagnostics criteria. Collection method: clinical testing. Allele origin: unknown.

GeneDx
Classification: Likely benign. Last evaluated: 2020-12-14. Review status: criteria provided, single submitter. Criteria: GeneDx Variant Classification Process June 2021. Collection method: clinical testing. Allele origin: germline. Affected: yes.

Genetic Services Laboratory, University of Chicago
Classification: Likely benign. Last evaluated: 2020-11-13. Review status: criteria provided, single submitter. Criteria: ACMG Guidelines, 2015. Collection method: clinical testing. Allele origin: germline. Affected: no.

Ambry Genetics
Classification: Likely benign for Hereditary cancer-predisposing syndrome. Last evaluated: 2015-07-08. Review status: criteria provided, single submitter. Criteria: Ambry Variant Classification Scheme 2023. Collection method: clinical testing. Allele origin: germline.

PreventionGenetics, part of Exact Sciences
Classification: Likely benign for POLD1-related condition. Last evaluated: 2019-07-17. Review status: no assertion criteria provided. Collection method: clinical testing. Allele origin: germline. Not counted in ClinVar's aggregate classification.
Comment: This variant is classified as likely benign based on ACMG/AMP sequence variant interpretation guidelines (Richards et al. 2015 PMID: 25741868, with internal and published modifications).

Department of Pathology and Laboratory Medicine, Sinai Health System
Classification: Likely benign for Bile duct cancer. Review status: no assertion criteria provided. Collection method: clinical testing. Allele origin: unknown. Affected: yes. Study: The Canadian Open Genetics Repository (COGR). Not counted in ClinVar's aggregate classification.
Comment: The POLD1 p.Ser339= variant was not identified in the literature. The variant was identified in dbSNP (ID: rs373404887) as "With Likely benign allele" and ClinVar (classified as likely benign by Invitae, GeneDx and Ambry Genetics). The variant was identified in control databases in 16 of 197712 chromosomes at a frequency of 0.00008 (Genome Aggregation Database Feb 27, 2017). The variant was observed in the following populations: African in 1 of 17944 chromosomes (freq: 0.00006) and European in 15 of 82470 chromosomes (freq: 0.0002), while the variant was not observed in the Other, Latino, Ashkenazi Jewish, East Asian, Finnish, or South Asian populations. The p.Ser339= variant is not expected to have clinical significance because it does not result in a change of amino acid and is not located in a known consensus splice site. In addition, in silico or computational prediction software programs (SpliceSiteFinder, MaxEntScan, NNSPLICE, GeneSplicer) do not predict a difference in splicing. In summary, based on the above information, the clinical significance of this variant cannot be determined with certainty at this time although we would lean towards a more benign role for this variant. This variant is classified as likely benign.

NM_002691.4(POLD1):c.1017G>T (p.Ser339=)

Gene: POLD1 (DNA polymerase delta 1, catalytic subunit; plus strand). Cytogenetic location: 19q13.33.
Variant type: single nucleotide variant.
Coding change: c.1017G>T on transcript NM_002691.4 (MANE Select); coding-DNA position 1017, G replaced by T.
Protein change: p.Ser339=; no amino-acid change (serine 339 retained).
Molecular consequence: synonymous variant. On other transcripts: non-coding transcript variant (1).
Genome position (GRCh38, 1-based): chr19:50,403,099, G>T. VCF-style: chr19-50403099-G-T. GRCh37 (hg19) VCF-style: chr19-50906356-G-T.
Other names: c.1017G>T, p.Ser339= (NM_001256849.1, NM_001308632.1).
Identifiers: ClinVar variation 239216 (VCV000239216.51), dbSNP rs373404887, ClinGen allele CA9596003.
Genomic context (GRCh38, chr19:50,403,099, plus strand): 5'-CTCCTGCCTCGCAGGCATCTTCCCTGAGCCTGAGCGGGACCCTGTCATCCAGATCTGCTC[G>T]CTGGGCCTGCGCTGGGGGGAGCCGGAGCCCTTCCTACGCCTGGCGCTCACCCTGCGGCCC-3'
Protein context (NP_002682.2, residues 329-349): PERDPVIQIC[Ser339=]LGLRWGEPEP